The following is an entry in ClinVar:

NM_030957.4(ADAMTS10):c.1894C>T (p.Arg632Trp)

Gene: ADAMTS10 (ADAM metallopeptidase with thrombospondin type 1 motif 10; minus strand). Cytogenetic location: 19p13.2.
Variant type: single nucleotide variant.
Coding change: c.1894C>T on transcript NM_030957.4 (MANE Select); coding-DNA position 1894, C replaced by T.
Protein change: p.Arg632Trp; replaces arginine 632 with tryptophan.
Molecular consequence: missense variant. On other transcripts: synonymous variant (1).
Genome position (GRCh38, 1-based): chr19:8,589,895, G>A on the plus strand (C>T on the coding strand, the complement: ADAMTS10 is on the minus strand). VCF-style: chr19-8589895-G-A. GRCh37 (hg19) VCF-style: chr19-8654779-G-A.
Other names: c.1894C>T (NM_030957.2); c.366C>T, p.Thr122= (NM_001282352.2); short protein forms R632W.
Identifiers: ClinVar variation 1438973 (VCV001438973.4), dbSNP rs571080944, ClinGen allele CA9160331.
Genomic context (GRCh38, chr19:8,589,895, plus strand): 5'-ACACTCCCACGGCTGCCCTTCACGGCCCCACAGCCTTTGGAGTCCCACACTCACCTCCCC[G>A]GTACGTTTTCCACTTGTAGAATTTCCCACGGAAAGGGATGCTGTCAAATTCAGAACACTG-3'
Protein context (NP_112219.3, residues 622-642): RGKFYKWKTY[Arg632Trp]GGGVKACSLT

ClinVar aggregate classification (germline): Uncertain significance. Review status: criteria provided, multiple submitters, no conflicts (2 of 4 stars). 2 submissions from 2 submitters: Uncertain significance (2). Last evaluated 2025-08-24.

Conditions:
Inborn genetic diseases. Identifiers: MedGen C0950123, MeSH D030342.

gnomAD v4.1: 38 of 1,613,518 alleles (0.0024%); highest among the groups gnomAD compares: Admixed American, 0.035%; no homozygotes.

Submissions (2):

Ambry Genetics
Classification: Uncertain significance for Inborn genetic diseases. Last evaluated: 2025-08-24. Review status: criteria provided, single submitter. Criteria: Ambry Variant Classification Scheme 2023. Collection method: clinical testing. Allele origin: germline.

Labcorp Genetics (formerly Invitae), Labcorp
Classification: Uncertain significance. Last evaluated: 2022-01-07. Review status: criteria provided, single submitter. Criteria: Invitae Variant Classification Sherloc (09022015). Collection method: clinical testing. Allele origin: germline.
Comment: This sequence change replaces arginine, which is basic and polar, with tryptophan, which is neutral and slightly polar, at codon 632 of the ADAMTS10 protein (p.Arg632Trp). This variant is present in population databases (rs571080944, gnomAD 0.06%). This variant has not been reported in the literature in individuals affected with ADAMTS10-related conditions. Algorithms developed to predict the effect of missense changes on protein structure and function (SIFT, PolyPhen-2, Align-GVGD) all suggest that this variant is likely to be disruptive. In summary, the available evidence is currently insufficient to determine the role of this variant in disease. Therefore, it has been classified as a Variant of Uncertain Significance.